The following is an entry in ClinVar:

ClinVar aggregate classification (germline): Uncertain significance (1 of 4 stars; one submission).

Conditions:
Autosomal dominant Parkinson disease 8. Also called: Parkinson disease 8, susceptibility to; LRRK2-Related Parkinson Disease; Parkinson disease 8. Identifiers: Orphanet 411602, MedGen C1846862, MONDO:0011764, OMIM 607060.

Allele frequency attached by ClinVar (database versions not stated): ExAC 0.00001; gnomAD 0.00001; gnomAD exomes 0.00001 and 0.00007; 1000 Genomes Project 0.00020; 1000 Genomes Project 30x 0.00031.
gnomAD v4.1: 56 of 1,576,870 alleles (0.0036%); highest among the groups gnomAD compares: Non-Finnish European, 0.0048%; no homozygotes.

Submission:

Labcorp Genetics (formerly Invitae), Labcorp
Classification: Uncertain significance for Autosomal dominant Parkinson disease 8. Last evaluated: 2021-02-19. Review status: criteria provided, single submitter. Criteria: Invitae Variant Classification Sherloc (09022015). Collection method: clinical testing. Allele origin: germline.
Comment: This sequence change replaces leucine with serine at codon 437 of the LRRK2 protein (p.Leu437Ser). The leucine residue is moderately conserved and there is a large physicochemical difference between leucine and serine. This variant is present in population databases (rs200035812, ExAC 0.002%). This variant has not been reported in the literature in individuals with LRRK2-related conditions. Algorithms developed to predict the effect of missense changes on protein structure and function are either unavailable or do not agree on the potential impact of this missense change (SIFT: "Deleterious"; PolyPhen-2: "Probably Damaging"; Align-GVGD: "Class C0"). In summary, the available evidence is currently insufficient to determine the role of this variant in disease. Therefore, it has been classified as a Variant of Uncertain Significance.

NM_198578.4(LRRK2):c.1310T>C (p.Leu437Ser)

Gene: LRRK2 (leucine rich repeat kinase 2; plus strand). Cytogenetic location: 12q12.
Variant type: single nucleotide variant.
Coding change: c.1310T>C on transcript NM_198578.4 (MANE Select); coding-DNA position 1310, T replaced by C.
Protein change: p.Leu437Ser; replaces leucine 437 with serine.
Molecular consequence: missense variant.
Genome position (GRCh38, 1-based): chr12:40,257,269, T>C. VCF-style: chr12-40257269-T-C. GRCh37 (hg19) VCF-style: chr12-40651071-T-C.
Other names: short protein forms L437S.
Identifiers: ClinVar variation 1427431 (VCV001427431.8), dbSNP rs200035812, ClinGen allele CA6513346.